The following is an entry in ClinVar:

ClinVar aggregate classification (germline): Uncertain significance (1 of 4 stars; one submission).

gnomAD v4.1: 1 of 1,613,896 alleles (0.000062%); highest among the groups gnomAD compares: Non-Finnish European, 0.000085%; no homozygotes.

Submission:

Labcorp Genetics (formerly Invitae), Labcorp
Classification: Uncertain significance. Last evaluated: 2023-06-14. Review status: criteria provided, single submitter. Criteria: Invitae Variant Classification Sherloc (09022015). Collection method: clinical testing. Allele origin: germline.
Comment: This sequence change replaces alanine, which is neutral and non-polar, with serine, which is neutral and polar, at codon 55 of the DSG1 protein (p.Ala55Ser). This variant is not present in population databases (gnomAD no frequency). This variant has not been reported in the literature in individuals affected with DSG1-related conditions. Advanced modeling of protein sequence and biophysical properties (such as structural, functional, and spatial information, amino acid conservation, physicochemical variation, residue mobility, and thermodynamic stability) performed at Invitae indicates that this missense variant is not expected to disrupt DSG1 protein function. In summary, the available evidence is currently insufficient to determine the role of this variant in disease. Therefore, it has been classified as a Variant of Uncertain Significance.

NM_001942.4(DSG1):c.163G>T (p.Ala55Ser)

Gene: DSG1 (desmoglein 1; plus strand). Cytogenetic location: 18q12.1.
Variant type: single nucleotide variant.
Coding change: c.163G>T on transcript NM_001942.4 (MANE Select); coding-DNA position 163, G replaced by T.
Protein change: p.Ala55Ser; replaces alanine 55 with serine.
Molecular consequence: missense variant.
Genome position (GRCh38, 1-based): chr18:31,326,952, G>T. VCF-style: chr18-31326952-G-T. GRCh37 (hg19) VCF-style: chr18-28906915-G-T.
Other names: short protein forms A55S.
Identifiers: ClinVar variation 2866694 (VCV002866694.3), dbSNP rs747673709, ClinGen allele CA297689378.